The following is an entry in ClinVar:

ClinVar aggregate classification (germline): Uncertain significance (1 of 4 stars; one submission).

Conditions:
Cardiovascular phenotype. Identifiers: MedGen CN230736.

Submission:

Ambry Genetics
Classification: Uncertain significance for Cardiovascular phenotype. Last evaluated: 2021-05-27. Review status: criteria provided, single submitter. Criteria: Ambry Variant Classification Scheme 2023. Collection method: clinical testing. Allele origin: germline.
Comment: The p.S247P variant (also known as c.739T>C), located in coding exon 6 of the RAF1 gene, results from a T to C substitution at nucleotide position 739. The serine at codon 247 is replaced by proline, an amino acid with similar properties. This amino acid position is not well conserved in available vertebrate species, and proline is the reference amino acid in other vertebrate species. In addition, this alteration is predicted to be tolerated by in silico analysis. Since supporting evidence is limited at this time, the clinical significance of this alteration remains unclear.

NM_002880.4(RAF1):c.739T>C (p.Ser247Pro)

Gene: RAF1 (Raf-1 proto-oncogene, serine/threonine kinase; minus strand). Cytogenetic location: 3p25.2.
Variant type: single nucleotide variant.
Coding change: c.739T>C on transcript NM_002880.4 (MANE Select); coding-DNA position 739, T replaced by C.
Protein change: p.Ser247Pro; replaces serine 247 with proline.
Molecular consequence: missense variant. On other transcripts: non-coding transcript variant (3).
Genome position (GRCh38, 1-based): chr3:12,604,231, A>G on the plus strand (T>C on the coding strand, the complement: RAF1 is on the minus strand). VCF-style: chr3-12604231-A-G. GRCh37 (hg19) VCF-style: chr3-12645730-A-G.
Other names: c.739T>C, p.Ser247Pro (NM_001354689.3, NM_001354690.3); c.496T>C, p.Ser166Pro (NM_001354691.3, NM_001354692.3, NM_001354694.3); c.640T>C, p.Ser214Pro (NM_001354693.3); c.397T>C, p.Ser133Pro (NM_001354695.3); short protein forms S133P, S166P, S247P, S214P.
Identifiers: ClinVar variation 1758707 (VCV001758707.2), dbSNP rs2470339833, ClinGen allele CA351512762.